The following is an entry in ClinVar:

NM_001003800.2(BICD2):c.1063A>G (p.Met355Val)

Gene: BICD2 (BICD cargo adaptor 2; minus strand). Cytogenetic location: 9q22.31.
Variant type: single nucleotide variant.
Coding change: c.1063A>G on transcript NM_001003800.2 (MANE Select); coding-DNA position 1063, A replaced by G.
Protein change: p.Met355Val; replaces methionine 355 with valine.
Molecular consequence: missense variant.
Genome position (GRCh38, 1-based): chr9:92,719,582, T>C on the plus strand (A>G on the coding strand, the complement: BICD2 is on the minus strand). VCF-style: chr9-92719582-T-C. GRCh37 (hg19) VCF-style: chr9-95481864-T-C.
Other names: c.1063A>G, p.Met355Val (NM_015250.4); short protein forms M355V.
Identifiers: ClinVar variation 1368341 (VCV001368341.6), dbSNP rs767226677, ClinGen allele CA196341281.

ClinVar aggregate classification (germline): Uncertain significance (1 of 4 stars; one submission).

Conditions:
Autosomal dominant childhood-onset proximal spinal muscular atrophy with contractures (SMALED2A). Also called: SPINAL MUSCULAR ATROPHY, LOWER EXTREMITY-PREDOMINANT, 2A, CHILDHOOD ONSET, AUTOSOMAL DOMINANT; Spinal muscular atrophy, lower extremity-predominant, 2A, autosomal dominant. Identifiers: Orphanet 363447, Orphanet 363454, MedGen C4747715, MONDO:0014121, OMIM 615290.

gnomAD v4.1: 2 of 1,598,690 alleles (0.00013%); highest among the groups gnomAD compares: Non-Finnish European, 0.00017%; no homozygotes.

Submission:

Labcorp Genetics (formerly Invitae), Labcorp
Classification: Uncertain significance for Autosomal dominant childhood-onset proximal spinal muscular atrophy with contractures. Last evaluated: 2021-12-13. Review status: criteria provided, single submitter. Criteria: Invitae Variant Classification Sherloc (09022015). Collection method: clinical testing. Allele origin: germline.
Comment: This sequence change replaces methionine, which is neutral and non-polar, with valine, which is neutral and non-polar, at codon 355 of the BICD2 protein (p.Met355Val). Algorithms developed to predict the effect of sequence changes on RNA splicing suggest that this variant may create or strengthen a splice site. In summary, the available evidence is currently insufficient to determine the role of this variant in disease. Therefore, it has been classified as a Variant of Uncertain Significance. Algorithms developed to predict the effect of missense changes on protein structure and function output the following: SIFT: "Tolerated"; PolyPhen-2: "Benign"; Align-GVGD: "Class C0". The valine amino acid residue is found in multiple mammalian species, which suggests that this missense change does not adversely affect protein function. This variant is not present in population databases (gnomAD no frequency). This variant has not been reported in the literature in individuals affected with BICD2-related conditions.